The following is an entry in ClinVar:

ClinVar aggregate classification (germline): Pathogenic/Likely pathogenic. Review status: criteria provided, multiple submitters, no conflicts (2 of 4 stars). 2 submissions from 2 submitters: Pathogenic (1); Likely pathogenic (1). Last evaluated 2019-11-05.

Conditions:
Hereditary breast ovarian cancer syndrome. Also called: Hereditary breast and ovarian cancer syndrome; Hereditary breast and ovarian cancer; Hereditary breast and ovarian cancer syndrome (HBOC); Breast and ovarian cancer; Hereditary breast and/or ovarian cancer syndrome; BRCA1- and BRCA2-Associated Hereditary Breast and Ovarian Cancer. Identifiers: Orphanet 145, MedGen C0677776, MeSH D061325, MONDO:0003582. Disease mechanism: loss of function.
Hereditary cancer-predisposing syndrome. Also called: Neoplastic Syndromes, Hereditary; Tumor predisposition; Hereditary neoplastic syndrome; Hereditary Cancer Syndrome. Identifiers: Orphanet 140162, MedGen C0027672, MeSH D009386, MONDO:0015356.

Submissions (2):

Ambry Genetics
Classification: Pathogenic for Hereditary cancer-predisposing syndrome. Last evaluated: 2019-11-05. Review status: criteria provided, single submitter. Criteria: Ambry Variant Classification Scheme 2023. Collection method: clinical testing. Allele origin: germline.
Comment: The c.518dupC pathogenic mutation, located in coding exon 4 of the BARD1 gene, results from a duplication of C at nucleotide position 518, causing a translational frameshift with a predicted alternate stop codon (p.S174Kfs*8). This alteration is expected to result in loss of function by premature protein truncation or nonsense-mediated mRNA decay. As such, this alteration is interpreted as a disease-causing mutation.

Cancer Genomics Group, Japanese Foundation For Cancer Research
Classification: Likely pathogenic for Hereditary breast and ovarian cancer syndrome. Last evaluated: 2019-05-01. Review status: criteria provided, single submitter. Criteria: ACMG Guidelines, 2015. Collection method: research. Allele origin: germline. Affected: yes.

NM_000465.4(BARD1):c.518dup (p.Ser174fs)

Gene: BARD1 (BRCA1 associated RING domain 1; minus strand). Cytogenetic location: 2q35.
Variant type: Duplication.
Coding change: c.518dup on transcript NM_000465.4 (MANE Select); coding-DNA position 518, one base duplicated (C; older notation c.518dupC).
Protein change: p.Ser174fs; shifts the reading frame from serine 174.
Molecular consequence: frameshift variant. On other transcripts: non-coding transcript variant (2), intron variant (3).
Genome position (GRCh38, 1-based): chr2:214,781,356, G duplicated on the plus strand (C on the coding strand, the reverse complement: BARD1 is on the minus strand). VCF-style (leftmost placement, unchanged base first): chr2-214781355-T-TG. GRCh37 (hg19) VCF-style: chr2-215646079-T-TG.
Other names: c.461dup, p.Ser155fs (NM_001282543.2); c.158+28056dup (NM_001282548.2); c.215+15705dup (NM_001282545.2); c.364+10941dup (NM_001282549.2); short protein forms S174fs, S155fs.
Identifiers: ClinVar variation 825522 (VCV000825522.6), dbSNP rs1574821103, ClinGen allele CA915941694.
Genomic context (GRCh38, chr2:214,781,355, plus strand): 5'-CTCAGAAACATCTGCAGGAGGACTTGGGGAAACAAATTCATATGAGTCTTGCTGAGCACT[T>TG]GCATCTTTTTTTATTGCAGGCTGGGTTTGCACTGAAGCTTTACTCACAACATATCTGACT-3'